The following is an entry in ClinVar:

NM_001395159.1(UNC79):c.2439G>A (p.Glu813=)

Gene: UNC79 (unc-79 subunit of NALCN channel complex; plus strand). Cytogenetic location: 14q32.12.
Variant type: single nucleotide variant.
Coding change: c.2439G>A on transcript NM_001395159.1 (MANE Select); coding-DNA position 2439, G replaced by A.
Protein change: p.Glu813=; no amino-acid change (glutamic acid 813 retained).
Molecular consequence: synonymous variant.
Genome position (GRCh38, 1-based): chr14:93,580,154, G>A. VCF-style: chr14-93580154-G-A. GRCh37 (hg19) VCF-style: chr14-94046500-G-A.
Other names: c.2439G>A, p.Glu813= (NM_001346218.2); c.1908G>A, p.Glu636= (NM_020818.5).
Identifiers: ClinVar variation 4986737 (VCV004986737.1).

ClinVar aggregate classification (germline): Likely benign (1 of 4 stars; one submission).

Conditions:
UNC79-related disorder. Also called: UNC79-related condition.

gnomAD v4.1: 185 of 1,612,092 alleles (0.011%); highest among the groups gnomAD compares: African/African-American, 0.22%; no homozygotes.

Submission:

PreventionGenetics, part of Exact Sciences
Classification: Likely benign for UNC79-related condition. Last evaluated: 2025-02-03. Review status: criteria provided, single submitter. Criteria: ACMG Guidelines, 2015. Collection method: clinical testing. Allele origin: germline.
Comment: This variant is classified as likely benign based on ACMG/AMP sequence variant interpretation guidelines (Richards et al. 2015 PMID: 25741868, with internal and published modifications).